The following is an entry in ClinVar:

NM_006885.4(ZFHX3):c.10495G>C (p.Glu3499Gln)

Genes: ZFHX3 (zinc finger homeobox 3; minus strand), ZFHX3-AS1 (ZFHX3 antisense RNA 1; plus strand). Cytogenetic location: 16q22.2.
Variant type: single nucleotide variant.
Coding change: c.10495G>C on transcript NM_006885.4 (MANE Select); coding-DNA position 10495, G replaced by C.
Protein change: p.Glu3499Gln; replaces glutamic acid 3499 with glutamine.
Molecular consequence: missense variant.
Genome position (GRCh38, 1-based): chr16:72,787,781, C>G on the plus strand (G>C on the coding strand, the complement: ZFHX3 is on the minus strand). VCF-style: chr16-72787781-C-G. GRCh37 (hg19) VCF-style: chr16-72821680-C-G.
Other names: c.7753G>C, p.Glu2585Gln (NM_001164766.2); c.10495G>C, p.Glu3499Gln (NM_001386735.1); short protein forms E3499Q, E2585Q.
Identifiers: ClinVar variation 4982830 (VCV004982830.1).

ClinVar aggregate classification (germline): Uncertain significance (1 of 4 stars; one submission).

Conditions:
ZFHX3-related disorder. Also called: ZFHX3-related condition.

gnomAD v4.1: 2 of 1,593,366 alleles (0.00013%); highest among the groups gnomAD compares: Admixed American, 0.0034%; no homozygotes.

Submission:

PreventionGenetics, part of Exact Sciences
Classification: Uncertain significance for ZFHX3-related condition. Last evaluated: 2026-09-19. Review status: criteria provided, single submitter. Criteria: ACMG Guidelines, 2015. Collection method: clinical testing. Allele origin: germline.
Comment: The ZFHX3 c.10495G>C variant is predicted to result in the amino acid substitution p.Glu3499Gln. To our knowledge, this variant has not been reported in the literature. This variant is reported in 0.0093% of alleles in individuals of Latino descent in gnomAD. At this time, the clinical significance of this variant is uncertain due to the absence of conclusive functional and genetic evidence.